The following is an entry in ClinVar:

NM_182972.3(IRF2BP2):c.833G>C (p.Gly278Ala)

Gene: IRF2BP2 (interferon regulatory factor 2 binding protein 2; minus strand). Cytogenetic location: 1q42.3.
Variant type: single nucleotide variant.
Coding change: c.833G>C on transcript NM_182972.3 (MANE Select); coding-DNA position 833, G replaced by C.
Protein change: p.Gly278Ala; replaces glycine 278 with alanine.
Molecular consequence: missense variant.
Genome position (GRCh38, 1-based): chr1:234,608,662, C>G on the plus strand (G>C on the coding strand, the complement: IRF2BP2 is on the minus strand). VCF-style: chr1-234608662-C-G. GRCh37 (hg19) VCF-style: chr1-234744408-C-G.
Other names: c.833G>C, p.Gly278Ala (NM_001077397.1); short protein forms G278A.
Identifiers: ClinVar variation 4771452 (VCV004771452.1).

ClinVar aggregate classification (germline): Uncertain significance (1 of 4 stars; one submission).

gnomAD v4.1: 3 of 1,532,040 alleles (0.0002%); highest among the groups gnomAD compares: African/African-American, 0.0043%; no homozygotes.

Submission:

Labcorp Genetics (formerly Invitae), Labcorp
Classification: Uncertain significance. Last evaluated: 2025-12-15. Review status: criteria provided, single submitter. Criteria: Invitae Variant Classification Sherloc (09022015). Collection method: clinical testing. Allele origin: germline.
Comment: This sequence change replaces glycine, which is neutral and non-polar, with alanine, which is neutral and non-polar, at codon 278 of the IRF2BP2 protein (p.Gly278Ala). This variant is not present in population databases (gnomAD no frequency). This variant has not been reported in the literature in individuals affected with IRF2BP2-related conditions. An algorithm developed to predict the effect of missense changes on protein structure and function (PolyPhen-2) suggests that this variant is likely to be disruptive. In summary, the available evidence is currently insufficient to determine the role of this variant in disease. Therefore, it has been classified as a Variant of Uncertain Significance.